The following is an entry in ClinVar:

NM_183357.3(ADCY5):c.2482G>A (p.Val828Met)

Gene: ADCY5 (adenylate cyclase 5; minus strand). Cytogenetic location: 3q21.1.
Variant type: single nucleotide variant.
Coding change: c.2482G>A on transcript NM_183357.3 (MANE Select); coding-DNA position 2482, G replaced by A.
Protein change: p.Val828Met; replaces valine 828 with methionine.
Molecular consequence: missense variant.
Genome position (GRCh38, 1-based): chr3:123,304,144, C>T on the plus strand (G>A on the coding strand, the complement: ADCY5 is on the minus strand). VCF-style: chr3-123304144-C-T. GRCh37 (hg19) VCF-style: chr3-123022991-C-T.
Other names: c.1432G>A, p.Val478Met (NM_001199642.1); c.2482G>A, p.Val828Met (NM_001378259.1); short protein forms V828M, V478M.
Identifiers: ClinVar variation 2740164 (VCV002740164.3), dbSNP rs116775208, ClinGen allele CA2577102.

ClinVar aggregate classification (germline): Uncertain significance (1 of 4 stars; one submission).

Allele frequency attached by ClinVar (database versions not stated): gnomAD 0.00001; TOPMed 0.00001; 1000 Genomes Project 0.00020; 1000 Genomes Project 30x 0.00031; ExAC 0.00001.
gnomAD v4.1: 35 of 1,543,186 alleles (0.0023%); highest among the groups gnomAD compares: Non-Finnish European, 0.0028%; 1 homozygote.

Submission:

Labcorp Genetics (formerly Invitae), Labcorp
Classification: Uncertain significance. Last evaluated: 2025-10-02. Review status: criteria provided, single submitter. Criteria: Invitae Variant Classification Sherloc (09022015). Collection method: clinical testing. Allele origin: germline.
Comment: This sequence change replaces valine, which is neutral and non-polar, with methionine, which is neutral and non-polar, at codon 828 of the ADCY5 protein (p.Val828Met). This variant is present in population databases (rs116775208, gnomAD 0.002%). This variant has not been reported in the literature in individuals affected with ADCY5-related conditions. ClinVar contains an entry for this variant (Variation ID: 2740164). Invitae Evidence Modeling of protein sequence and biophysical properties (such as structural, functional, and spatial information, amino acid conservation, physicochemical variation, residue mobility, and thermodynamic stability) indicates that this missense variant is not expected to disrupt ADCY5 protein function with a negative predictive value of 95%. In summary, the available evidence is currently insufficient to determine the role of this variant in disease. Therefore, it has been classified as a Variant of Uncertain Significance.